The following is an entry in ClinVar:

ClinVar aggregate classification (germline): Uncertain significance (1 of 4 stars; one submission).

Submission:

GeneDx
Classification: Uncertain significance. Last evaluated: 2024-03-04. Review status: criteria provided, single submitter. Criteria: GeneDx Variant Classification Process June 2021. Collection method: clinical testing. Allele origin: germline. Affected: yes.
Comment: Not observed at significant frequency in large population cohorts (gnomAD); Nonsense variant predicted to result in protein truncation as the last 58 amino acids are lost, although loss-of-function variants have not been reported downstream of this position in the protein; Has not been previously published as pathogenic or benign to our knowledge

NM_017646.6(TRIT1):c.1229G>A (p.Trp410Ter)

Gene: TRIT1 (tRNA isopentenyltransferase 1; minus strand). Cytogenetic location: 1p34.2.
Variant type: single nucleotide variant.
Coding change: c.1229G>A on transcript NM_017646.6 (MANE Select); coding-DNA position 1229, G replaced by A.
Protein change: p.Trp410Ter; replaces tryptophan 410 with a stop codon.
Molecular consequence: nonsense.
Genome position (GRCh38, 1-based): chr1:39,844,106, C>T on the plus strand (G>A on the coding strand, the complement: TRIT1 is on the minus strand). VCF-style: chr1-39844106-C-T. GRCh37 (hg19) VCF-style: chr1-40309778-C-T.
Other names: c.1151G>A, p.Trp384Ter (NM_001312691.2); c.983G>A, p.Trp328Ter (NM_001312692.2); short protein forms W328*, W384*, W410*.
Identifiers: ClinVar variation 3373554 (VCV003373554.1).